The following is an entry in ClinVar:

NM_001161352.2(KCNMA1):c.*1571C>T

Gene: KCNMA1 (potassium calcium-activated channel subfamily M alpha 1; minus strand). Cytogenetic location: 10q22.3.
Variant type: single nucleotide variant.
Coding change: c.*1571C>T on transcript NM_001161352.2 (MANE Select); 1571 bases downstream of the stop codon, C replaced by T.
Molecular consequence: 3 prime UTR variant. On other transcripts: intron variant (7).
Genome position (GRCh38, 1-based): chr10:76,885,695, G>A on the plus strand (C>T on the coding strand, the complement: KCNMA1 is on the minus strand). VCF-style: chr10-76885695-G-A. GRCh37 (hg19) VCF-style: chr10-78645453-G-A.
Other names: c.3521+1596C>T (NM_001322829.2); c.3524+1596C>T (NM_001014797.3); c.3605+1596C>T (NM_001322835.2); c.3614+1596C>T (NM_001322830.2); c.*1571C>T (NM_001161353.2, NM_001271519.2, NM_001322836.2 and 2 more transcripts); c.3362+1596C>T (NM_001271518.2); c.3512+1596C>T (NM_001322832.2); c.3059+1596C>T (NM_001322838.2).
Identifiers: ClinVar variation 300933 (VCV000300933.6), dbSNP rs10762733, ClinGen allele CA10632316.
Genomic context (GRCh38, chr10:76,885,695, plus strand): 5'-TGGAATTCTTTGAAGTAAAACTTTTCAAATATGTATATACCAGCCTAGTCCATCCATAAG[G>A]GAAATTGGTTATGGTGAATTGGCCAGTTTTTAAGAAATACCGCACTGCCTAAAGCATGAT-3'

ClinVar aggregate classification (germline): Benign. Review status: criteria provided, multiple submitters, no conflicts (2 of 4 stars). 2 submissions from 2 submitters: Benign (2). Last evaluated 2018-01-12.

Conditions:
Generalized epilepsy-paroxysmal dyskinesia syndrome (PNKD3). Also called: Paroxysmal nonkinesigenic dyskinesia, 3, with or without generalized epilepsy; Generalized epilepsy and paroxysmal dyskinesia. Identifiers: Orphanet 79137, MedGen C5574945, MONDO:0012276, OMIM 609446.

Allele frequency attached by ClinVar (database versions not stated): 1000 Genomes Project 30x 0.37976; 1000 Genomes Project 0.38059; TOPMed 0.47655; gnomAD 0.49307 and 0.49921; gnomAD exomes 0.56287.
gnomAD v4.1: 542,955 of 984,658 alleles (55%); highest among the groups gnomAD compares: Middle Eastern, 57%; 151,938 homozygotes.

Submissions (2):

Illumina Laboratory Services, Illumina
Classification: Benign for Generalized epilepsy-paroxysmal dyskinesia syndrome. Last evaluated: 2018-01-12. Review status: criteria provided, single submitter. Criteria: ICSL Variant Classification Criteria 13 December 2019. Collection method: clinical testing. Allele origin: germline.
Comment: This variant was observed in the ICSL laboratory as part of a predisposition screen in an ostensibly healthy population. It had not been previously curated by ICSL or reported in the Human Gene Mutation Database (HGMD: prior to June 1st, 2018), and was therefore a candidate for classification through an automated scoring system. Utilizing variant allele frequency, disease prevalence and penetrance estimates, and inheritance mode, an automated score was calculated to assess if this variant is too frequent to cause the disease. Based on the score and internal cut-off values, a variant classified as benign is not then subjected to further curation. The score for this variant resulted in a classification of benign for this disease.

Breakthrough Genomics
Classification: Benign. Review status: criteria provided, single submitter. Criteria: ACMG Guidelines, 2015. Collection method: not provided. Allele origin: germline. Inheritance: Autosomal recessive inheritance. Affected: yes.